The following is an entry in ClinVar:

ClinVar aggregate classification (germline): Uncertain significance (1 of 4 stars; one submission).

Conditions:
Hereditary cancer-predisposing syndrome. Also called: Neoplastic Syndromes, Hereditary; Tumor predisposition; Hereditary neoplastic syndrome; Hereditary Cancer Syndrome. Identifiers: Orphanet 140162, MedGen C0027672, MeSH D009386, MONDO:0015356.
Cardiovascular phenotype. Identifiers: MedGen CN230736.

Allele frequency attached by ClinVar (database versions not stated): gnomAD exomes below 0.00001.
gnomAD v4.1: 1 of 1,610,564 alleles (0.000062%); highest among the groups gnomAD compares: South Asian, 0.0011%; no homozygotes.

Submission:

Ambry Genetics
Classification: Uncertain significance for Cardiovascular phenotype; Hereditary cancer-predisposing syndrome. Last evaluated: 2023-06-05. Review status: criteria provided, single submitter. Criteria: Ambry Variant Classification Scheme 2023. Collection method: clinical testing. Allele origin: germline.
Comment: The p.Q643R variant (also known as c.1928A>G), located in coding exon 16 of the LZTR1 gene, results from an A to G substitution at nucleotide position 1928. The glutamine at codon 643 is replaced by arginine, an amino acid with highly similar properties. This amino acid position is conserved. In addition, the in silico prediction for this alteration is inconclusive. Since supporting evidence is limited at this time, the clinical significance of this alteration remains unclear.

NM_006767.4(LZTR1):c.1928A>G (p.Gln643Arg)

Gene: LZTR1 (leucine zipper like post translational regulator 1; plus strand). Cytogenetic location: 22q11.21.
Variant type: single nucleotide variant.
Coding change: c.1928A>G on transcript NM_006767.4 (MANE Select); coding-DNA position 1928, A replaced by G.
Protein change: p.Gln643Arg; replaces glutamine 643 with arginine.
Molecular consequence: missense variant.
Genome position (GRCh38, 1-based): chr22:20,995,012, A>G. VCF-style: chr22-20995012-A-G. GRCh37 (hg19) VCF-style: chr22-21349301-A-G.
Other names: short protein forms Q643R.
Identifiers: ClinVar variation 3238167 (VCV003238167.1), dbSNP rs1466979527.